The following is an entry in ClinVar:

ClinVar aggregate classification (germline): Uncertain significance (1 of 4 stars; one submission).

Conditions:
Heterotopia, periventricular, X-linked dominant (PVNH1). Also called: PERIVENTRICULAR NODULAR HETEROTOPIA 4; HETEROTOPIA, PERIVENTRICULAR, 1; PERIVENTRICULAR NODULAR HETEROTOPIA 1; X-linked periventricular heterotopia. Identifiers: Orphanet 2149, Orphanet 82004, MedGen C1848213, MONDO:0010233, OMIM 300049.
Oto-palato-digital syndrome, type II (OPD2). Also called: Otopalatodigital Syndrome, Type II; FACIOPALATOOSSEOUS SYNDROME; OPD II SYNDROME; Otopalatodigital Syndrome Type 2 (FLNA-OPD2). Identifiers: Orphanet 669, Orphanet 90652, MedGen C1844696, MONDO:0010571, OMIM 304120.
Melnick-Needles syndrome (MNS). Also called: MELNICK-NEEDLES OSTEODYSPLASTY; OSTEODYSPLASTY OF MELNICK AND NEEDLES; Melnick-Needles Syndrome (FLNA-MNS). Identifiers: Orphanet 2484, MedGen C0025237, MONDO:0010650, OMIM 309350.
Frontometaphyseal dysplasia (FMD1). Identifiers: Orphanet 1826, MedGen C0265293, MONDO:0015942.

Submission:

Labcorp Genetics (formerly Invitae), Labcorp
Classification: Uncertain significance for Oto-palato-digital syndrome, type II; Heterotopia, periventricular, X-linked dominant; Frontometaphyseal dysplasia; Melnick-Needles syndrome. Last evaluated: 2025-09-10. Review status: criteria provided, single submitter. Criteria: Invitae Variant Classification Sherloc (09022015). Collection method: clinical testing. Allele origin: germline.
Comment: This sequence change replaces arginine, which is basic and polar, with glutamine, which is neutral and polar, at codon 2131 of the FLNA protein (p.Arg2131Gln). This variant is not present in population databases (gnomAD no frequency). This variant has not been reported in the literature in individuals affected with FLNA-related conditions. Invitae Evidence Modeling of protein sequence and biophysical properties (such as structural, functional, and spatial information, amino acid conservation, physicochemical variation, residue mobility, and thermodynamic stability) indicates that this missense variant is not expected to disrupt FLNA protein function with a negative predictive value of 95%. In summary, the available evidence is currently insufficient to determine the role of this variant in disease. Therefore, it has been classified as a Variant of Uncertain Significance.

NM_001110556.2(FLNA):c.6416G>A (p.Arg2139Gln)

Gene: FLNA (filamin A; minus strand). Cytogenetic location: Xq28.
Variant type: single nucleotide variant.
Coding change: c.6416G>A on transcript NM_001110556.2 (MANE Select); coding-DNA position 6416, G replaced by A.
Protein change: p.Arg2139Gln; replaces arginine 2139 with glutamine.
Molecular consequence: missense variant.
Genome position (GRCh38, 1-based): chrX:154,352,639, C>T on the plus strand (G>A on the coding strand, the complement: FLNA is on the minus strand). VCF-style: chrX-154352639-C-T. GRCh37 (hg19) VCF-style: chrX-153581007-C-T.
Other names: c.6392G>A, p.Arg2131Gln (NM_001456.4); short protein forms R2131Q, R2139Q.
Identifiers: ClinVar variation 4789575 (VCV004789575.1).
Genomic context (GRCh38, chrX:154,352,639, plus strand): 5'-TGACTACCAACGTTGGCCACTGAAGGAGCCCGACGCCTGCGGGTGATGCTCTCTTTCACC[C>T]GGCCCTCGCCTGTCACCTTCACAGAGAAGGGGCTGCCTGCAGGAAGAAAGCACGGCCCAC-3'
Protein context (NP_001104026.1, residues 2129-2149): PFSVKVTGEG[Arg2139Gln]VKESITRRRR